The following continues an entry in ClinVar:

NM_000218.3(KCNQ1):c.532G>A (p.Ala178Thr)

Gene: KCNQ1. ClinVar aggregate classification (germline): Pathogenic/Likely pathogenic. Pathogenic (7); Likely pathogenic (5).

Submissions 7 to 15 of 15:

Color Diagnostics, LLC DBA Color Health
Classification: Pathogenic for Cardiac arrhythmia. Last evaluated: 2024-02-06. Review status: criteria provided, single submitter. Criteria: ACMG Guidelines, 2015. Collection method: clinical testing. Allele origin: germline.
Comment: This missense variant replaces alanine with threonine at codon 178 of the KCNQ1 protein. This variant is found within the highly conserved cytoplasmic linker region (a.a. 169-196). Rare non-truncating variants in this region have been shown to be significantly overrepresented in individuals with long QT syndrome (PMID: 32893267). A functional study has shown that this variant results in the protein retention in the endoplasmic reticulum and a reduced cell-surface expression of the potassium channel due to the trafficking defects (PMID: 24912595). This variant has been reported in over ten unrelated individuals affected with long QT syndrome (PMID: 9024139, 10973849, 19490272, 19716085, 22456477, 28438721, 29033053, 30530868, 32893267, 36102233). Of these, 3 affected individuals were homozygous for this variant. Another unrelated homozygous individual was affected with autosomal recessive Romano-Ward Syndrome (PMID: 29033053). This variant has also been observed in compound heterozygous state with a pathogenic truncation variant in a child affected with severe phenotype (PMID: 24912595). This variant has been identified in 1/248870 chromosomes in the general population by the Genome Aggregation Database (gnomAD). Based on the available evidence, this variant is classified as Pathogenic.

CeGaT Center for Human Genetics Tuebingen
Classification: Pathogenic. Last evaluated: 2023-04-01. Review status: criteria provided, single submitter. Criteria: CeGaT Center For Human Genetics Tuebingen Variant Classification Criteria Version 2. Collection method: clinical testing. Allele origin: germline. Affected: yes. Observed: 2 variant alleles.
Comment: KCNQ1: PS2, PM5, PS4:Moderate, PM2:Supporting, PP1

Greenwood Genetic Center Diagnostic Laboratories, Greenwood Genetic Center
Classification: Likely pathogenic. Last evaluated: 2021-03-30. Review status: criteria provided, single submitter. Criteria: ACMG Guidelines, 2015. Collection method: clinical testing. Allele origin: germline.
Comment: PS3, PM2, PM1, PP3

Centre for Mendelian Genomics, University Medical Centre Ljubljana
Classification: Likely pathogenic for Long QT syndrome 1. Last evaluated: 2020-02-27. Review status: criteria provided, single submitter. Criteria: ACMG Guidelines, 2015. Collection method: clinical testing. Allele origin: unknown. Affected: yes.
Comment: This variant was classified as: Likely pathogenic. The following ACMG criteria were applied in classifying this variant: PS1_MOD,PM2,PS4_SUP,PP3.

Human Genome Sequencing Center Clinical Lab, Baylor College of Medicine
Classification: Likely pathogenic for Long QT syndrome 1; Jervell and Lange-Nielsen syndrome 1. Last evaluated: 2019-08-19. Review status: criteria provided, single submitter. Criteria: ACMG Guidelines, 2015. Collection method: clinical testing. Allele origin: germline.
Comment: This c.532G>A (p.Ala178Thr) variant in the KCNQ1 gene has been reported in patients with Long QT syndrome (PMID: 9024139, 22456477, 10973849). This variant has an ultra-low minor allele frequency in the gnomAD database (1/248870). The Ala178 residue is highly conserved and multiple computational algorithms predict a deleterious effect of the p.Ala178Thr change. In vitro functional studies suggest this variant disrupts channel trafficking (PMID: 24912595). Therefore, the c.532G>A (p.Ala178Thr) variant in the KCNQ1 gene is classified as likely pathogenic.

Juno Genomics, Hangzhou Juno Genomics, Inc
Classification: Likely pathogenic for Long QT syndrome 1. Review status: criteria provided, single submitter. Criteria: ACMG Guidelines, 2015. Collection method: clinical testing. Allele origin: germline.
Comment: Absent from controls (or at extremely low frequency if recessive) in Genome Aggregation Database.;Well-established in vitro or in vivo functional studies supportive of a damaging effect on the gene or gene product.;The prevalence of the variant in affected individuals is significantly increased compared to the prevalence in controls.;Patient's phenotype or family history is highly specific for a disease with a single genetic etiology.

Biochemical Molecular Genetic Laboratory, King Abdulaziz Medical City
Classification: Pathogenic for Long QT syndrome 1. Last evaluated: 2020-02-05. Review status: no assertion criteria provided. Collection method: clinical testing. Allele origin: germline. Affected: yes. Not counted in ClinVar's aggregate classification.

CSER _CC_NCGL, University of Washington
Classification: Uncertain significance for Long QT syndrome. Last evaluated: 2014-06-01. Review status: no assertion criteria provided. Collection method: research. Allele origin: germline. Inheritance: Autosomal dominant inheritance. Study: ESP 6500 variant annotation. Not counted in ClinVar's aggregate classification.
Comment: Variants classified for the Actionable exomic incidental findings in 6503 participants: challenges of variant classification manuscript

Cardiovascular Biomedical Research Unit, Royal Brompton & Harefield NHS Foundation Trust
No classification provided. Condition: Familial long QT syndrome. Review status: no classification provided. Collection method: literature only. Allele origin: germline. Not counted in ClinVar's aggregate classification.
Comment: This variant has been reported as associated with Long QT syndrome in the following publications (PMID:9024139;PMID:19716085;PMID:22378279). This is a literature report, and does not necessarily reflect the clinical interpretation of the Imperial College / Royal Brompton Cardiovascular Genetics laboratory.

Literature cited by the submitters: PubMed 9024139 (cited by 6 submitters); PubMed 10973849 (cited by 3 submitters); PubMed 19716085 (cited by 6 submitters); PubMed 22456477 (cited by 3 submitters); PubMed 24912595 (cited by 5 submitters); PubMed 17470695 (cited by Labcorp Genetics (formerly Invitae), Labcorp); PubMed 19490272 (cited by 4 submitters); PubMed 25637381 (cited by Ambry Genetics); PubMed 28438721 (cited by 4 submitters); PubMed 30530868 (cited by 4 submitters); PubMed 36102233 (cited by 3 submitters); PubMed 36136372 (cited by Ambry Genetics); PubMed 37089884 (cited by Ambry Genetics); PubMed 19632626 (cited by Victorian Clinical Genetics Services, Murdoch Childrens Research Institute); PubMed 29033053 (cited by All of Us Research Program, National Institutes of Health and Color Diagnostics, LLC DBA Color Health); PubMed 32893267 (cited by All of Us Research Program, National Institutes of Health and Color Diagnostics, LLC DBA Color Health); PubMed 22378279 (cited by Cardiovascular Biomedical Research Unit, Royal Brompton & Harefield NHS Foundation Trust); PubMed 22581653 (cited by Cardiovascular Biomedical Research Unit, Royal Brompton & Harefield NHS Foundation Trust).